The following is an entry in ClinVar:

ClinVar aggregate classification (germline): Uncertain significance. Review status: criteria provided, multiple submitters, no conflicts (2 of 4 stars). 2 submissions from 2 submitters: Uncertain significance (2). Last evaluated 2024-12-24.

Conditions:
Inborn genetic diseases. Identifiers: MedGen C0950123, MeSH D030342.
Beta-D-mannosidosis (MANSB). Also called: Beta-Mannosidosis; MANNOSIDOSIS, BETA A, LYSOSOMAL; BETA-MANNOSIDASE DEFICIENCY; LYSOSOMAL BETA-MANNOSIDASE DEFICIENCY. Identifiers: Orphanet 118, MedGen C4048196, MONDO:0009562, OMIM 248510.

Allele frequency attached by ClinVar (database versions not stated): gnomAD 0.00001; ExAC 0.00024; gnomAD exomes 0.00003.
gnomAD v4.1: 44 of 1,567,808 alleles (0.0028%); highest among the groups gnomAD compares: South Asian, 0.05%; no homozygotes.

Submissions (2):

Ambry Genetics
Classification: Uncertain significance for Inborn genetic diseases. Last evaluated: 2024-12-24. Review status: criteria provided, single submitter. Criteria: Ambry Variant Classification Scheme 2023. Collection method: clinical testing. Allele origin: germline.

Labcorp Genetics (formerly Invitae), Labcorp
Classification: Uncertain significance for Beta-D-mannosidosis. Last evaluated: 2022-05-17. Review status: criteria provided, single submitter. Criteria: Invitae Variant Classification Sherloc (09022015). Collection method: clinical testing. Allele origin: germline.
Comment: This sequence change replaces histidine, which is basic and polar, with tyrosine, which is neutral and polar, at codon 4 of the MANBA protein (p.His4Tyr). This variant is present in population databases (rs781523932, gnomAD 0.04%). This variant has not been reported in the literature in individuals affected with MANBA-related conditions. Algorithms developed to predict the effect of missense changes on protein structure and function output the following: SIFT: "Tolerated"; PolyPhen-2: "Not Available"; Align-GVGD: "Class C0". The tyrosine amino acid residue is found in multiple mammalian species, which suggests that this missense change does not adversely affect protein function. In summary, the available evidence is currently insufficient to determine the role of this variant in disease. Therefore, it has been classified as a Variant of Uncertain Significance.

NM_005908.4(MANBA):c.10C>T (p.His4Tyr)

Genes: MANBA (mannosidase beta; minus strand), LOC129992886 (ATAC-STARR-seq lymphoblastoid active region 21757; plus strand). Cytogenetic location: 4q24.
Variant type: single nucleotide variant.
Coding change: c.10C>T on transcript NM_005908.4 (MANE Select); coding-DNA position 10, C replaced by T.
Protein change: p.His4Tyr; replaces histidine 4 with tyrosine.
Molecular consequence: missense variant.
Genome position (GRCh38, 1-based): chr4:102,760,885, G>A on the plus strand (C>T on the coding strand, the complement: MANBA is on the minus strand). VCF-style: chr4-102760885-G-A. GRCh37 (hg19) VCF-style: chr4-103682042-G-A.
Other names: c.10C>T (NM_005908.3); short protein forms H4Y.
Identifiers: ClinVar variation 2194533 (VCV002194533.2), dbSNP rs781523932, ClinGen allele CA3027350.